The following is an entry in ClinVar:

ClinVar aggregate classification (germline): Pathogenic (1 of 4 stars; one submission).

Conditions:
Fanconi anemia (FA). Also called: Fanconi's anemia. Identifiers: Orphanet 84, MedGen C0015625, MeSH D005199, MONDO:0019391.

Submission:

Labcorp Genetics (formerly Invitae), Labcorp
Classification: Pathogenic for Fanconi anemia. Last evaluated: 2025-06-14. Review status: criteria provided, single submitter. Criteria: Invitae Variant Classification Sherloc (09022015). Collection method: clinical testing. Allele origin: germline.
Comment: This sequence change creates a premature translational stop signal (p.Gln1217Thrfs*3) in the FANCI gene. It is expected to result in an absent or disrupted protein product. Loss-of-function variants in FANCI are known to be pathogenic (PMID: 17452773, 17460694). This variant is not present in population databases (gnomAD no frequency). This variant has not been reported in the literature in individuals affected with FANCI-related conditions. Algorithms developed to predict the effect of sequence changes on RNA splicing suggest that this variant may disrupt the consensus splice site. For these reasons, this variant has been classified as Pathogenic.

Literature cited by the submitters: PubMed 17452773; PubMed 17460694.

NM_001113378.2(FANCI):c.3647dup (p.Gln1217fs)

Gene: FANCI (FA complementation group I; plus strand). Cytogenetic location: 15q26.1.
Variant type: Duplication.
Coding change: c.3647dup on transcript NM_001113378.2 (MANE Select); coding-DNA position 3647, one base duplicated (T; older notation c.3647dupT).
Protein change: p.Gln1217fs; shifts the reading frame from glutamine 1217.
Molecular consequence: frameshift variant.
Genome position (GRCh38, 1-based): chr15:89,307,668, T duplicated. VCF-style (leftmost placement, unchanged base first): chr15-89307667-G-GT. GRCh37 (hg19) VCF-style: chr15-89850898-G-GT.
Other names: c.3368dup, p.Gln1124fs (NM_001376910.1); c.3647dup, p.Gln1217fs (NM_001376911.1); c.3467dup, p.Gln1157fs (NM_018193.3); short protein forms Q1157fs, Q1124fs, Q1217fs.
Identifiers: ClinVar variation 4721008 (VCV004721008.1).